The following is an entry in ClinVar:

NM_001287.6(CLCN7):c.2395_2414delinsCTCTTTCCCAGAGGCTGGGAAA (p.Glu799fs)

Gene: CLCN7 (Cl-/H+ antiporter 7; minus strand). Cytogenetic location: 16p13.3.
Variant type: Indel.
Coding change: c.2395_2414delinsCTCTTTCCCAGAGGCTGGGAAA on transcript NM_001287.6 (MANE Select); coding-DNA positions 2395 to 2414, GAGCTCTCGCTGGCCCAGAC replaced by CTCTTTCCCAGAGGCTGGGAAA.
Protein change: p.Glu799fs; shifts the reading frame from glutamic acid 799.
Molecular consequence: frameshift variant.
Genome position (GRCh38, 1-based): chr16:1,446,635-1,446,654, GTCTGGGCCAGCGAGAGCTC replaced by TTTCCCAGCCTCTGGGAAAGAG on the plus strand (GAGCTCTCGCTGGCCCAGAC replaced by CTCTTTCCCAGAGGCTGGGAAA on the coding strand, the reverse complement: CLCN7 is on the minus strand). GRCh37 (hg19): chr16:1,496,636-1,496,655.
Other names: c.2323_2342delinsCTCTTTCCCAGAGGCTGGGAAA, p.Glu775fs (NM_001114331.3); short protein forms E775fs, E799fs.
Identifiers: ClinVar variation 4886376 (VCV004886376.2).

ClinVar aggregate classification (germline): Uncertain significance (1 of 4 stars; one submission).

Submission:

Dasa
Classification: Uncertain significance. Last evaluated: 2026-03-11. Review status: criteria provided, single submitter. Criteria: DASA Assertion Criteria. Collection method: clinical testing. Allele origin: germline.
Comment: NM_001287.6(CLCN7):c.2395_2414delinsCTCTTTCCCAGAGGCTGGGAAA (p.Glu799Leufs*15) is a frameshift variant in CLCN7 predicted to alter the reading frame and introduce a premature termination codon and is predicted to result in an absent or altered protein product. This variant is absent from population databases. The currently available literature and clinical evidence are not sufficient to establish a definitive association between this variant and the reported condition. Therefore, this variant is classified as a variant of uncertain significance.